The following is an entry in ClinVar:

NM_182914.3(SYNE2):c.20191-4del

Gene: SYNE2 (spectrin repeat containing nuclear envelope protein 2; plus strand). Cytogenetic location: 14q23.2.
Variant type: Deletion.
Coding change: c.20191-4del on transcript NM_182914.3 (MANE Select); 4 bases into the intron before coding-DNA position 20191, one base deleted (T; older notation c.20191-4delT).
Molecular consequence: intron variant.
Genome position (GRCh38, 1-based): chr14:64,223,185, T deleted; the last of 4 consecutive T bases (chr14:64,223,182-64,223,185); deleting any one gives the same sequence. VCF-style (leftmost placement, unchanged base first): chr14-64223181-GT-G. GRCh37 (hg19) VCF-style: chr14-64689899-GT-G.
Other names: c.20122-4del (NM_015180.6); c.1135-4del (NM_182913.4); c.757-4del (NM_182910.2).
Identifiers: ClinVar variation 4883914 (VCV004883914.2).
Genomic context (GRCh38, chr14:64,223,181, plus strand): 5'-AACCTCCTGTGTCCACACTCGCTTCCCTTTGGACAGGTCACTGTTTCACACACTTTATCT[GT>G]TTTCAGCAACTGGAAAAGGAGCTGGTAGAACGTCAACCTCAAGTGGACATGTTACAGGAG-3'

ClinVar aggregate classification (germline): Uncertain significance (1 of 4 stars; one submission).

Submission:

Dasa
Classification: Uncertain significance. Last evaluated: 2025-05-20. Review status: criteria provided, single submitter. Criteria: DASA Assertion Criteria. Collection method: clinical testing. Allele origin: germline.
Comment: NM_182914.3(SYNE2):c.20191-4del is a splice-region variant. This variant is absent from population databases. Computational prediction algorithms are consistent with a benign effect. The currently available literature and clinical evidence are not sufficient to establish a definitive association between this variant and the reported condition. Therefore, this variant is classified as a variant of uncertain significance.